The following is an entry in ClinVar:

NM_001082971.2(DDC):c.479G>A (p.Arg160Gln)

Gene: DDC (dopa decarboxylase; minus strand). Cytogenetic location: 7p12.1.
Variant type: single nucleotide variant.
Coding change: c.479G>A on transcript NM_001082971.2 (MANE Select); coding-DNA position 479, G replaced by A.
Protein change: p.Arg160Gln; replaces arginine 160 with glutamine.
Molecular consequence: missense variant. On other transcripts: intron variant (1).
Genome position (GRCh38, 1-based): chr7:50,529,299, C>T on the plus strand (G>A on the coding strand, the complement: DDC is on the minus strand). VCF-style: chr7-50529299-C-T. GRCh37 (hg19) VCF-style: chr7-50596997-C-T.
Other names: c.479G>A, p.Arg160Gln (NM_000790.4, NM_001242887.2, NM_001242890.2); c.365G>A, p.Arg122Gln (NM_001242886.2); c.245G>A, p.Arg82Gln (NM_001242888.2); c.435+8561G>A (NM_001242889.2); short protein forms R122Q, R160Q, R82Q.
Identifiers: ClinVar variation 2186091 (VCV002186091.2), dbSNP rs1261689439, ClinGen allele CA367526785.

ClinVar aggregate classification (germline): Uncertain significance. Review status: criteria provided, multiple submitters, no conflicts (2 of 4 stars). 2 submissions from 2 submitters: Uncertain significance (2). Last evaluated 2022-10-24.

Conditions:
Deficiency of aromatic-L-amino-acid decarboxylase. Also called: DDC DEFICIENCY; DOPA DECARBOXYLASE DEFICIENCY; Aromatic L-Amino Acid Decarboxylase Deficiency; AADC DEFICIENCY; Aromatic amino acid decarboxylase deficiency. Identifiers: Orphanet 35708, MedGen C1291564, MONDO:0012084, OMIM 608643.

gnomAD v4.1: 8 of 1,614,186 alleles (0.0005%); highest among the groups gnomAD compares: East Asian, 0.0067%; no homozygotes.

Submissions (2):

Blueprint Genetics
Classification: Uncertain significance. Last evaluated: 2022-10-24. Review status: criteria provided, single submitter. Criteria: ACMG Guidelines, 2015. Collection method: clinical testing. Allele origin: germline.

Labcorp Genetics (formerly Invitae), Labcorp
Classification: Uncertain significance for Deficiency of aromatic-L-amino-acid decarboxylase. Last evaluated: 2022-07-19. Review status: criteria provided, single submitter. Criteria: Invitae Variant Classification Sherloc (09022015). Collection method: clinical testing. Allele origin: germline.
Comment: This sequence change replaces arginine, which is basic and polar, with glutamine, which is neutral and polar, at codon 160 of the DDC protein (p.Arg160Gln). This variant is present in population databases (no rsID available, gnomAD 0.006%). This variant has not been reported in the literature in individuals affected with DDC-related conditions. Algorithms developed to predict the effect of missense changes on protein structure and function are either unavailable or do not agree on the potential impact of this missense change (SIFT: "Deleterious"; PolyPhen-2: "Probably Damaging"; Align-GVGD: "Class C0"). This variant disrupts the p.Arg160 amino acid residue in DDC. Other variant(s) that disrupt this residue have been determined to be pathogenic (PMID: 23430870, 29356298). This suggests that this residue is clinically significant, and that variants that disrupt this residue are likely to be disease-causing. In summary, the available evidence is currently insufficient to determine the role of this variant in disease. Therefore, it has been classified as a Variant of Uncertain Significance.

Literature cited by the submitters: PubMed 23430870 (cited by Labcorp Genetics (formerly Invitae), Labcorp); PubMed 29356298 (cited by Labcorp Genetics (formerly Invitae), Labcorp).